The following is an entry in ClinVar:

ClinVar aggregate classification (germline): Uncertain significance. Review status: criteria provided, multiple submitters, no conflicts (2 of 4 stars). 3 submissions from 3 submitters: Uncertain significance (2). 1 of the submissions does not count toward it. Last evaluated 2022-07-27.

Conditions:
Congenital disorder of deglycosylation 1. Also called: NGLY1-deficiency; NGLY1-Related Congenital Disorder of Deglycosylation. Identifiers: Orphanet 404454, MedGen CN306977, MONDO:0800044, OMIM 615273.
Congenital disorder of deglycosylation (CDDG). Identifiers: MedGen C3808991, MONDO:0031376.

Allele frequency attached by ClinVar (database versions not stated): ExAC 0.00001; gnomAD 0.00001.
gnomAD v4.1: 13 of 1,613,702 alleles (0.00081%); highest among the groups gnomAD compares: Admixed American, 0.0083%; no homozygotes.

Submissions (3):

Labcorp Genetics (formerly Invitae), Labcorp
Classification: Uncertain significance for Congenital disorder of deglycosylation. Last evaluated: 2022-07-27. Review status: criteria provided, single submitter. Criteria: Invitae Variant Classification Sherloc (09022015). Collection method: clinical testing. Allele origin: germline.
Comment: This sequence change replaces arginine, which is basic and polar, with glutamine, which is neutral and polar, at codon 321 of the NGLY1 protein (p.Arg321Gln). This variant is present in population databases (rs751720023, gnomAD 0.006%). This variant has not been reported in the literature in individuals affected with NGLY1-related conditions. ClinVar contains an entry for this variant (Variation ID: 1056910). Algorithms developed to predict the effect of missense changes on protein structure and function are either unavailable or do not agree on the potential impact of this missense change (SIFT: "Tolerated"; PolyPhen-2: "Probably Damaging"; Align-GVGD: "Class C0"). In summary, the available evidence is currently insufficient to determine the role of this variant in disease. Therefore, it has been classified as a Variant of Uncertain Significance.

Foundation for Research in Genetics and Endocrinology, FRIGE's Institute of Human Genetics
Classification: Uncertain significance for Congenital disorder of deglycosylation 1. Review status: criteria provided, single submitter. Criteria: ACMG Guidelines, 2015. Collection method: clinical testing. Allele origin: germline. Inheritance: Autosomal recessive inheritance. Affected: yes. Observed: 1 homozygote.
Comment: A homozygous missense variant in exon 6 of the NGLY1 gene that results in the amino acid substitution of glutamine for Arginine at codon 321 was detected. The observed variant c.962G>A (p.Arg321Gln) has not been reported in the 1000 genomes and has MAF of 0.002% in gnomAD databases. The in silico prediction of the variant are possibly damaging by PolyPhen-2 (HumDiv), LRT, SIFT, CADD and MutationTaster2. The reference codon is conserved across species. In summary, the variant meets our criteria to be classified as variant of uncertain significance.

Genetics laboratory, Institute of Kidney Diseases & Research Centre Dr. H.L. Trivedi Institute Of Transplantation Sciences
Classification: Uncertain significance for Congenital disorder of deglycosylation 1. Last evaluated: 2024-06-10. Review status: no assertion criteria provided. Collection method: clinical testing. Allele origin: germline. Inheritance: Autosomal recessive inheritance. Affected: yes. Observed: 1 variant allele, 1 homozygote. Not counted in ClinVar's aggregate classification.

NM_018297.4(NGLY1):c.962G>A (p.Arg321Gln)

Gene: NGLY1 (N-glycanase 1; minus strand). Cytogenetic location: 3p24.2.
Variant type: single nucleotide variant.
Coding change: c.962G>A on transcript NM_018297.4 (MANE Select); coding-DNA position 962, G replaced by A.
Protein change: p.Arg321Gln; replaces arginine 321 with glutamine.
Molecular consequence: missense variant.
Genome position (GRCh38, 1-based): chr3:25,737,375, C>T on the plus strand (G>A on the coding strand, the complement: NGLY1 is on the minus strand). VCF-style: chr3-25737375-C-T. GRCh37 (hg19) VCF-style: chr3-25778866-C-T.
Other names: p.Arg321Gln; c.962G>A, p.Arg321Gln (NM_001145293.2, NM_001145295.2); c.836G>A, p.Arg279Gln (NM_001145294.2); short protein forms R279Q, R321Q.
Identifiers: ClinVar variation 1056910 (VCV001056910.5), dbSNP rs751720023, ClinGen allele CA2289332.
Genomic context (GRCh38, chr3:25,737,375, plus strand): 5'-CTCATTCCACATTCTGTACCTGTGTAATCCCAAACATAGCGAGCTTCAAACCCTACAGCT[C>T]GGCAGCACAGTGTAAAACAATTGGCCCACTCGCCACACCGTCCACATCTTGTTTCCAAAA-3'
Protein context (NP_060767.2, residues 311-331): EWANCFTLCC[Arg321Gln]AVGFEARYVW